The following is an entry in ClinVar:

ClinVar aggregate classification (germline): Uncertain significance (1 of 4 stars; one submission).

Conditions:
COG5-congenital disorder of glycosylation. Also called: COG5-CDG; CDG IIi; CONGENITAL DISORDER OF GLYCOSYLATION, TYPE IIi. Identifiers: Orphanet 263487, MedGen C3150876, MONDO:0013325, OMIM 613612.

Submission:

Labcorp Genetics (formerly Invitae), Labcorp
Classification: Uncertain significance for COG5-congenital disorder of glycosylation. Last evaluated: 2022-11-22. Review status: criteria provided, single submitter. Criteria: Invitae Variant Classification Sherloc (09022015). Collection method: clinical testing. Allele origin: germline.
Comment: In summary, the available evidence is currently insufficient to determine the role of this variant in disease. Therefore, it has been classified as a Variant of Uncertain Significance. Algorithms developed to predict the effect of missense changes on protein structure and function output the following: SIFT: "Tolerated"; PolyPhen-2: "Benign"; Align-GVGD: "Class C0". The serine amino acid residue is found in multiple mammalian species, which suggests that this missense change does not adversely affect protein function. This variant has not been reported in the literature in individuals affected with COG5-related conditions. This variant is not present in population databases (gnomAD no frequency). This sequence change replaces glycine, which is neutral and non-polar, with serine, which is neutral and polar, at codon 504 of the COG5 protein (p.Gly504Ser).

NM_006348.5(COG5):c.1417G>A (p.Gly473Ser)

Gene: COG5 (component of oligomeric golgi complex 5; minus strand). Cytogenetic location: 7q22.3.
Variant type: single nucleotide variant.
Coding change: c.1417G>A on transcript NM_006348.5 (MANE Select); coding-DNA position 1417, G replaced by A.
Protein change: p.Gly473Ser; replaces glycine 473 with serine.
Molecular consequence: missense variant. On other transcripts: intron variant (1).
Genome position (GRCh38, 1-based): chr7:107,283,629, C>T on the plus strand (G>A on the coding strand, the complement: COG5 is on the minus strand). VCF-style: chr7-107283629-C-T. GRCh37 (hg19) VCF-style: chr7-106924074-C-T.
Other names: c.1417G>A, p.Gly473Ser (NM_001161520.2, NM_001379512.1, NM_001379513.1 and 2 more transcripts); c.847G>A, p.Gly283Ser (NM_001379515.1); c.703G>A, p.Gly235Ser (NM_001379516.1); c.1314-2230G>A (NM_001379511.1); short protein forms G473S, G235S, G283S.
Identifiers: ClinVar variation 2088503 (VCV002088503.4), dbSNP rs1237230787, ClinGen allele CA368938140.
Genomic context (GRCh38, chr7:107,283,629, plus strand): 5'-ACCTTGCTATAGTTTTAATAATACCATCAAGTTCATCAGAGGAAGGAGGATTACGACCAC[C>T]CGGGGGAAAAACCAAGTTGATAGGATCGAAGAGTCGAGATAAGGATTTTGATAGATAAGC-3'
Protein context (NP_006339.4, residues 463-483): FDPINLVFPP[Gly473Ser]GRNPPSSDEL